The following is an entry in ClinVar:

NM_001843.4(CNTN1):c.2324G>T (p.Ser775Ile)

Gene: CNTN1 (contactin 1; plus strand). Cytogenetic location: 12q12.
Variant type: single nucleotide variant.
Coding change: c.2324G>T on transcript NM_001843.4 (MANE Select); coding-DNA position 2324, G replaced by T.
Protein change: p.Ser775Ile; replaces serine 775 with isoleucine.
Molecular consequence: missense variant.
Genome position (GRCh38, 1-based): chr12:41,016,821, G>T. VCF-style: chr12-41016821-G-T. GRCh37 (hg19) VCF-style: chr12-41410623-G-T.
Other names: c.2291G>T, p.Ser764Ile (NM_175038.2); short protein forms S775I, S764I.
Identifiers: ClinVar variation 1995272 (VCV001995272.4), dbSNP rs34326474, ClinGen allele CA384586918.
Genomic context (GRCh38, chr12:41,016,821, plus strand): 5'-AAAAAGTCACAGTTACTAATCCTGATACTGGCCGATATGTCCATAAAGATGAAACCATGA[G>T]CCCTTCCACTGCATTTCAAGTTAAAGTCAAGGCCTTCAACAACAAAGGAGATGGACCTTA-3'
Protein context (NP_001834.2, residues 765-785): GRYVHKDETM[Ser775Ile]PSTAFQVKVK

ClinVar aggregate classification (germline): Uncertain significance (1 of 4 stars; one submission).

Conditions:
Compton-North congenital myopathy (CMYO12). Identifiers: Orphanet 210163, MedGen C2675527, MONDO:0012929, OMIM 612540.

gnomAD v4.1: 1 of 1,614,036 alleles (0.000062%); highest among the groups gnomAD compares: Non-Finnish European, 0.000085%; no homozygotes.

Submission:

Labcorp Genetics (formerly Invitae), Labcorp
Classification: Uncertain significance for Compton-North congenital myopathy. Last evaluated: 2022-11-08. Review status: criteria provided, single submitter. Criteria: Invitae Variant Classification Sherloc (09022015). Collection method: clinical testing. Allele origin: germline.
Comment: In summary, the available evidence is currently insufficient to determine the role of this variant in disease. Therefore, it has been classified as a Variant of Uncertain Significance. Advanced modeling of protein sequence and biophysical properties (such as structural, functional, and spatial information, amino acid conservation, physicochemical variation, residue mobility, and thermodynamic stability) performed at Invitae indicates that this missense variant is not expected to disrupt CNTN1 protein function. This variant has not been reported in the literature in individuals affected with CNTN1-related conditions. This variant is not present in population databases (gnomAD no frequency). This sequence change replaces serine, which is neutral and polar, with isoleucine, which is neutral and non-polar, at codon 775 of the CNTN1 protein (p.Ser775Ile).